The following is an entry in ClinVar:

ClinVar aggregate classification (germline): Uncertain significance (1 of 4 stars; one submission).

Conditions:
Amyotrophic lateral sclerosis type 1 (ALS1). Also called: AMYOTROPHIC LATERAL SCLEROSIS 1, FAMILIAL. Identifiers: Orphanet 803, MedGen C1862939, MONDO:0007103, OMIM 105400.
Neuronopathy, distal hereditary motor, type 7B. Also called: HMN VIIB; LOWER MOTOR NEURON DISEASE, DYNACTIN TYPE; NEURONOPATHY, DISTAL HEREDITARY MOTOR, AUTOSOMAL DOMINANT 14; NEURONOPATHY, DISTAL HEREDITARY MOTOR, HARDING TYPE VIIB; NEUROPATHY, DISTAL HEREDITARY MOTOR, HARDING TYPE VIIB; NEUROPATHY, DISTAL HEREDITARY MOTOR, WITH VOCAL CORD PARALYSIS, HARDING TYPE VIIB. Identifiers: Orphanet 139589, MedGen C1843315, MONDO:0011879, OMIM 607641.
Perry syndrome. Also called: PARKINSONISM WITH ALVEOLAR HYPOVENTILATION AND MENTAL DEPRESSION. Identifiers: Orphanet 178509, MedGen C1868594, MONDO:0008201, OMIM 168605.

Allele frequency attached by ClinVar (database versions not stated): gnomAD exomes below 0.00001.
gnomAD v4.1: 2 of 1,613,908 alleles (0.00012%); highest among the groups gnomAD compares: Non-Finnish European, 0.00017%; no homozygotes.

Submission:

Labcorp Genetics (formerly Invitae), Labcorp
Classification: Uncertain significance for Amyotrophic lateral sclerosis type 1; Neuronopathy, distal hereditary motor, type 7B; Perry syndrome. Last evaluated: 2023-03-10. Review status: criteria provided, single submitter. Criteria: Invitae Variant Classification Sherloc (09022015). Collection method: clinical testing. Allele origin: germline.
Comment: In summary, the available evidence is currently insufficient to determine the role of this variant in disease. Therefore, it has been classified as a Variant of Uncertain Significance. Advanced modeling of protein sequence and biophysical properties (such as structural, functional, and spatial information, amino acid conservation, physicochemical variation, residue mobility, and thermodynamic stability) performed at Invitae indicates that this missense variant is not expected to disrupt DCTN1 protein function. This variant has not been reported in the literature in individuals affected with DCTN1-related conditions. This variant is not present in population databases (gnomAD no frequency). This sequence change replaces tyrosine, which is neutral and polar, with histidine, which is basic and polar, at codon 1149 of the DCTN1 protein (p.Tyr1149His).

NM_004082.5(DCTN1):c.3445T>C (p.Tyr1149His)

Gene: DCTN1 (dynactin subunit 1; minus strand). Cytogenetic location: 2p13.1.
Variant type: single nucleotide variant.
Coding change: c.3445T>C on transcript NM_004082.5 (MANE Select); coding-DNA position 3445, T replaced by C.
Protein change: p.Tyr1149His; replaces tyrosine 1149 with histidine.
Molecular consequence: missense variant. On other transcripts: non-coding transcript variant (1).
Genome position (GRCh38, 1-based): chr2:74,363,078, A>G on the plus strand (T>C on the coding strand, the complement: DCTN1 is on the minus strand). VCF-style: chr2-74363078-A-G. GRCh37 (hg19) VCF-style: chr2-74590205-A-G.
Other names: c.3370T>C, p.Tyr1124His (NM_001135040.3); c.3028T>C, p.Tyr1010His (NM_001135041.3); c.3319T>C, p.Tyr1107His (NM_001190836.2); c.3424T>C, p.Tyr1142His (NM_001190837.2); c.3394T>C, p.Tyr1132His (NM_001378991.1); c.3376T>C, p.Tyr1126His (NM_001378992.1); c.3043T>C, p.Tyr1015His (NM_023019.4); short protein forms Y1015H, Y1149H, Y1132H, Y1142H, Y1124H, Y1126H, Y1010H, Y1107H.
Identifiers: ClinVar variation 2934039 (VCV002934039.3), dbSNP rs2529082631, ClinGen allele CA347337226.